The following is an entry in ClinVar:

ClinVar aggregate classification (germline): Likely benign (1 of 4 stars; one submission).

Allele frequency attached by ClinVar (database versions not stated): 1000 Genomes Project 0.01158; 1000 Genomes Project 30x 0.01187; gnomAD 0.00981 and 0.01049; TOPMed 0.01106.
gnomAD v4.1: 1,474 of 152,092 alleles (0.97%); highest among the groups gnomAD compares: African/African-American, 3.4%; 25 homozygotes.

Submission:

GeneDx
Classification: Likely benign. Last evaluated: 2021-12-12. Review status: criteria provided, single submitter. Criteria: GeneDx Variant Classification Process June 2021. Collection method: clinical testing. Allele origin: germline. Affected: yes.
Comment: See Variant Classification Assertion Criteria.

NM_001374736.1(DST):c.20395-211G>C

Gene: DST (dystonin; minus strand). Cytogenetic location: 6p12.1.
Variant type: single nucleotide variant.
Coding change: c.20395-211G>C on transcript NM_001374736.1 (MANE Select); 211 bases into the intron before coding-DNA position 20395, G replaced by C.
Molecular consequence: intron variant.
Genome position (GRCh38, 1-based): chr6:56,493,300, C>G on the plus strand (G>C on the coding strand, the complement: DST is on the minus strand). VCF-style: chr6-56493300-C-G. GRCh37 (hg19) VCF-style: chr6-56358098-C-G.
Other names: c.14038-211G>C (NM_001144769.5); c.20395-211G>C (NM_001374722.1); c.20422-211G>C (NM_001374734.1); c.13624-211G>C (NM_001144770.2); c.13177-211G>C (NM_001374730.1); c.13504-211G>C (NM_001386100.1, NM_183380.4); c.19435-211G>C (NM_001374729.1); c.12526-211G>C (NM_015548.5).
Identifiers: ClinVar variation 1691663 (VCV001691663.3), dbSNP rs77818082, ClinGen allele CA139187449.